The following is an entry in ClinVar:

NM_000760.4(CSF3R):c.2311G>A (p.Asp771Asn)

Gene: CSF3R (colony stimulating factor 3 receptor; minus strand). Cytogenetic location: 1p34.3.
Variant type: single nucleotide variant.
Coding change: c.2311G>A on transcript NM_000760.4 (MANE Select); coding-DNA position 2311, G replaced by A.
Protein change: p.Asp771Asn; replaces aspartic acid 771 with asparagine.
Molecular consequence: missense variant. On other transcripts: intron variant (1).
Genome position (GRCh38, 1-based): chr1:36,466,557, C>T on the plus strand (G>A on the coding strand, the complement: CSF3R is on the minus strand). VCF-style: chr1-36466557-C-T. GRCh37 (hg19) VCF-style: chr1-36932158-C-T.
Other names: c.2392G>A, p.Asp798Asn (NM_156039.3); c.2247+64G>A (NM_172313.3); short protein forms D798N, D771N.
Identifiers: ClinVar variation 4717853 (VCV004717853.1).

ClinVar aggregate classification (germline): Uncertain significance (1 of 4 stars; one submission).

Conditions:
Autosomal recessive severe congenital neutropenia due to CSF3R deficiency. Also called: Neutropenia, severe congenital, 7, autosomal recessive. Identifiers: Orphanet 420702, MedGen C4310764, MONDO:0014865, OMIM 617014.

Submission:

Labcorp Genetics (formerly Invitae), Labcorp
Classification: Uncertain significance for Autosomal recessive severe congenital neutropenia due to CSF3R deficiency. Last evaluated: 2025-04-18. Review status: criteria provided, single submitter. Criteria: Invitae Variant Classification Sherloc (09022015). Collection method: clinical testing. Allele origin: germline.
Comment: This sequence change replaces aspartic acid, which is acidic and polar, with asparagine, which is neutral and polar, at codon 771 of the CSF3R protein (p.Asp771Asn). This variant is not present in population databases (gnomAD no frequency). This variant has not been reported in the literature in individuals affected with CSF3R-related conditions. An algorithm developed to predict the effect of missense changes on protein structure and function outputs the following: PolyPhen-2: "Benign". The asparagine amino acid residue is found in multiple mammalian species, which suggests that this missense change does not adversely affect protein function. In summary, the available evidence is currently insufficient to determine the role of this variant in disease. Therefore, it has been classified as a Variant of Uncertain Significance.